The following is an entry in ClinVar:

ClinVar aggregate classification (germline): Pathogenic (1 of 4 stars; one submission).

Conditions:
Autism, susceptibility to, 17. Also called: Autism susceptibility 17. Identifiers: MedGen C3150693, MONDO:0013265, OMIM 613436.

Submission:

Victorian Clinical Genetics Services, Murdoch Childrens Research Institute
Classification: Pathogenic for Autism, susceptibility to, 17. Last evaluated: 2022-09-02. Review status: criteria provided, single submitter. Criteria: ACMG Guidelines, 2015. Collection method: clinical testing. Allele origin: germline. Inheritance: Autosomal dominant inheritance. Affected: yes.
Comment: Based on the classification scheme VCGS_Germline_v1.3.4, this variant is classified as Pathogenic. Following criteria are met: 0102 - Loss of function is a known mechanism of disease in this gene and is associated with autism susceptibility 17 (MIM#613436). (I) 0107 - This gene is associated with autosomal dominant disease. (I) 0201 - Variant is predicted to cause nonsense-mediated decay (NMD) and loss of protein (premature termination codon is located at least 54 nucleotides upstream of the final exon-exon junction). (SP) 0251 - This variant is heterozygous. (I) 0301 - Variant is absent from gnomAD (both v2 and v3). (SP) 0701 - Other NMD predicted variants comparable to the one identified in this case have very strong previous evidence for pathogenicity (ClinVar, PMID: 35456494). (SP) 0807 - This variant has no previous evidence of pathogenicity. (I) 0905 - No published segregation evidence has been identified for this variant. (I) 1007 - No published functional evidence has been identified for this variant. (SP) Legend: (SP) - Supporting pathogenic, (I) - Information, (SB) - Supporting benign

Literature cited by the submitters: PubMed 30072871; PubMed 35456494.

NM_012309.5(SHANK2):c.4635_4636delinsTAT (p.Val1546fs)

Gene: SHANK2 (SH3 and multiple ankyrin repeat domains 2; minus strand). Cytogenetic location: 11q13.3.
Variant type: Indel.
Coding change: c.4635_4636delinsTAT on transcript NM_012309.5 (MANE Select); coding-DNA positions 4635 to 4636, AG replaced by TAT.
Protein change: p.Val1546fs; shifts the reading frame from valine 1546.
Molecular consequence: frameshift variant.
Genome position (GRCh38, 1-based): chr11:70,485,657-70,485,658, CT replaced by ATA on the plus strand (AG replaced by TAT on the coding strand, the reverse complement: SHANK2 is on the minus strand). VCF-style: chr11-70485657-CT-ATA. GRCh37 (hg19) VCF-style: chr11-70331762-CT-ATA.
Other names: c.3498_3499delinsTAT, p.Val1167fs (NM_001379226.1); c.2871_2872delinsTAT, p.Val958fs (NM_133266.5); short protein forms V1167fs, V1546fs, V958fs.
Identifiers: ClinVar variation 1805933 (VCV001805933.1), dbSNP rs2495469105, ClinGen allele CA2573320536.